The following is an entry in ClinVar:

ClinVar aggregate classification (germline): Likely pathogenic. Review status: reviewed by expert panel (3 of 4 stars). 8 submissions from 8 submitters: Likely pathogenic (1). 7 of the submissions do not count toward it. Last evaluated 2024-09-24.

Conditions:
MYO7A-related disorder. Also called: MYO7A-related disorders.
Usher syndrome. Also called: Usher Syndromes; Usher's syndrome. Identifiers: Orphanet 886, MedGen CN469326, MeSH D052245, MONDO:0019501. Disease mechanism: loss of function.
Rare genetic deafness. Identifiers: Orphanet 96210, MedGen C5680250.
Autosomal recessive nonsyndromic hearing loss 2. Also called: DEAFNESS, AUTOSOMAL RECESSIVE 2; NEUROSENSORY NONSYNDROMIC RECESSIVE DEAFNESS 2. Identifiers: Orphanet 90636, MedGen C1838701, MONDO:0010807, OMIM 600060.
Usher syndrome type 1 (USH1). Also called: RETINITIS PIGMENTOSA AND CONGENITAL DEAFNESS. Identifiers: Orphanet 231169, Orphanet 886, MedGen C1568247, MONDO:0010168, OMIM 276900.
Autosomal dominant nonsyndromic hearing loss 11. Identifiers: Orphanet 90635, MedGen C1832475, MONDO:0011032, OMIM 601317.

Allele frequency attached by ClinVar (database versions not stated): gnomAD 0.00001; gnomAD exomes 0.00001 and 0.00002.
gnomAD v4.1: 29 of 1,612,714 alleles (0.0018%); highest among the groups gnomAD compares: Non-Finnish European, 0.0022%; no homozygotes.

Submissions (8):

ClinGen Hearing Loss Variant Curation Expert Panel
Classification: Likely pathogenic for Usher syndrome. Last evaluated: 2024-09-24. Review status: reviewed by expert panel. Criteria: Clingen Hl Acmg Specifications Cdh23 Coch Gjb2 Kcnq4 Myo6 Myo7a Slc26a4 Tecta Ush2a V2. Collection method: curation. Allele origin: germline. Inheritance: Autosomal recessive inheritance.
Comment: The c.5804T>C variant in MYO7A is a missense variant predicted to cause substitution of leucine by proline at amino acid 1935 (p.Leu1935Pro). The highest population minor allele frequency in gnomAD v4.1 is 0.00002204 (26/1179460 alleles) in the European (non-Finnish) population, which is lower than the ClinGen Hearing Loss VCEP threshold (≤0.00007) for PM2_Supporting, meeting this criterion (PM2_Supporting). The computational predictor REVEL gives a score of 0.961, which is above the threshold of 0.7, evidence that correlates with impact to MYO7A function (PP3). This variant has been detected in 2 individuals with autosomal recessive Usher syndrome. Both were compound heterozygous for the variant and a pathogenic or likely pathogenic variant and both of those were confirmed in trans by family testing (2 PM3 points, SCV001239772.1, SCV000059855.6, Blueprint Genetics, Laboratory for Molecular Medicine) (PM3_Strong). At least one patient with this variant displayed sensorineural hearing loss with retinitis pigmentosa, which is highly specific for autosomal recessive Usher syndrome (PP4, SCV000059855.6, Laboratory for Molecular Medicine). In summary, this variant meets the criteria to be classified as likely pathogenic for autosomal recessive Usher syndrome based on the ACMG/AMP criteria applied, as specified by the ClinGen Hearing Loss VCEP: PM3_Strong, PM2_Supporting, PP3, PP4. (ClinGen Hearing Loss VCEP specifications version 2; 9/24/2024)

Labcorp Genetics (formerly Invitae), Labcorp
Classification: Pathogenic. Last evaluated: 2025-08-18. Review status: criteria provided, single submitter. Criteria: Invitae Variant Classification Sherloc (09022015). Collection method: clinical testing. Allele origin: germline. Not counted in ClinVar's aggregate classification.
Comment: This sequence change replaces leucine, which is neutral and non-polar, with proline, which is neutral and non-polar, at codon 1935 of the MYO7A protein (p.Leu1935Pro). This variant is present in population databases (rs397516323, gnomAD 0.002%). This missense change has been observed in individual(s) with clinical features of autosomal recessive MYO7A-related conditions (internal data). In at least one individual the data is consistent with being in trans (on the opposite chromosome) from a pathogenic variant. ClinVar contains an entry for this variant (Variation ID: 43298). Invitae Evidence Modeling of protein sequence and biophysical properties (such as structural, functional, and spatial information, amino acid conservation, physicochemical variation, residue mobility, and thermodynamic stability) indicates that this missense variant is expected to disrupt MYO7A protein function with a positive predictive value of 95%. For these reasons, this variant has been classified as Pathogenic.

Variantyx, Inc.
Classification: Likely pathogenic for Usher syndrome type 1. Last evaluated: 2025-08-14. Review status: criteria provided, single submitter. Criteria: Variantyx Assertion Criteria 2022. Collection method: clinical testing. Allele origin: germline. Inheritance: Autosomal recessive inheritance. Affected: no. Not counted in ClinVar's aggregate classification.
Comment: This is a nonsynonymous variant in the MYO7A gene (OMIM: 276903). Pathogenic variants in this gene have been associated with autosomal recessive Usher syndrome type IB. This variant has been identified in compound heterozygous state in at least two individuals (PM3_Strong). Multiple computational algorithms predict a deleterious effect for this variant (REVEL score: 0.961) (PP3). This variant has a 0.0022% maximum allele frequency in non-founder control populations (PM2). Other reputable laboratories have reported this variant as pathogenic or likely pathogenic, and this classification has been validated by an expert panel in ClinVar (PP5). Based on the current evidence, this variant is classified as likely pathogenic for autosomal recessive Usher syndrome type IB.

PreventionGenetics, part of Exact Sciences
Classification: Uncertain significance for MYO7A-related condition. Last evaluated: 2025-02-13. Review status: criteria provided, single submitter. Criteria: ACMG Guidelines, 2015. Collection method: clinical testing. Allele origin: germline. Not counted in ClinVar's aggregate classification.
Comment: The MYO7A c.5804T>C variant is predicted to result in the amino acid substitution p.Leu1935Pro. To our knowledge, this variant has not been reported in the literature. This variant is reported in 0.0024% of alleles in individuals of European (Non-Finnish) descent in gnomAD. An alternative nucleotide change affecting the same amino acid (c.5803C>A, p.Leu1935Met) has been reported in an individual with Usher syndrome 1 (Besnard et al. 2014. PubMed ID: 24498627). Although we suspect that this variant may be pathogenic, at this time, the clinical significance of this variant is uncertain due to the absence of conclusive functional and genetic evidence.

Fulgent Genetics
Classification: Likely pathogenic for Usher syndrome type 1; Autosomal recessive nonsyndromic hearing loss 2; Autosomal dominant nonsyndromic hearing loss 11. Last evaluated: 2024-05-09. Review status: criteria provided, single submitter. Criteria: ACMG Guidelines, 2015. Collection method: clinical testing. Allele origin: germline. Not counted in ClinVar's aggregate classification.

Blueprint Genetics
Classification: Pathogenic for MYO7A-related disorders. Last evaluated: 2022-11-06. Review status: criteria provided, single submitter. Criteria: ACMG Guidelines, 2015. Collection method: clinical testing. Allele origin: germline. Affected: yes. Observed: 5 variant alleles. Not counted in ClinVar's aggregate classification.

Counsyl
Classification: Uncertain significance for Usher syndrome type 1; Autosomal recessive nonsyndromic hearing loss 2. Last evaluated: 2017-06-02. Review status: no assertion criteria provided. Collection method: clinical testing. Allele origin: unknown. Not counted in ClinVar's aggregate classification.

Laboratory for Molecular Medicine, Mass General Brigham Personalized Medicine
Classification: Likely pathogenic for Rare genetic deafness. Last evaluated: 2010-08-16. Review status: no assertion criteria provided. Collection method: clinical testing. Allele origin: germline. Observed: 2 variant alleles. Not counted in ClinVar's aggregate classification.
Comment: The Leu1935Pro variant in MYO7A has not been reported in the literature. This re sidue is conserved across species and computational analyses (PolyPhen, SIFT) su ggest that the Leu1935Pro variant may impact the protein. In summary, this variant is likely to be pathogenic.

NM_000260.4(MYO7A):c.5804T>C (p.Leu1935Pro)

Gene: MYO7A (myosin VIIA; plus strand). Cytogenetic location: 11q13.5.
Variant type: single nucleotide variant.
Coding change: c.5804T>C on transcript NM_000260.4 (MANE Select); coding-DNA position 5804, T replaced by C.
Protein change: p.Leu1935Pro; replaces leucine 1935 with proline.
Molecular consequence: missense variant.
Genome position (GRCh38, 1-based): chr11:77,207,350, T>C. VCF-style: chr11-77207350-T-C. GRCh37 (hg19) VCF-style: chr11-76918395-T-C.
Other names: c.5690T>C, p.Leu1897Pro (NM_001127180.2); c.5657T>C, p.Leu1886Pro (NM_001369365.1); short protein forms L1935P, L1886P, L1897P.
Identifiers: ClinVar variation 43298 (VCV000043298.16), dbSNP rs397516323, ClinGen allele CA278691.